The following is an entry in ClinVar:

NM_002693.3(POLG):c.2263A>G (p.Lys755Glu)

Gene: POLG (DNA polymerase gamma, catalytic subunit; minus strand). Cytogenetic location: 15q26.1.
Variant type: single nucleotide variant.
Coding change: c.2263A>G on transcript NM_002693.3 (MANE Select); coding-DNA position 2263, A replaced by G.
Protein change: p.Lys755Glu; replaces lysine 755 with glutamic acid.
Molecular consequence: missense variant.
Genome position (GRCh38, 1-based): chr15:89,323,406, T>C on the plus strand (A>G on the coding strand, the complement: POLG is on the minus strand). VCF-style: chr15-89323406-T-C. GRCh37 (hg19) VCF-style: chr15-89866637-T-C.
Other names: c.2263A>G, p.Lys755Glu (NM_001126131.2); short protein forms K755E.
Identifiers: ClinVar variation 5004520 (VCV005004520.1).

ClinVar aggregate classification (germline): Uncertain significance (1 of 4 stars; one submission).

Conditions:
POLG-related disorder. Also called: POLG-related condition; POLG-Related Disorders; POLG-Related Spectrum Disorders. Identifiers: MedGen C4763519.

Submission:

Myriad Genetics, Inc.
Classification: Uncertain significance for POLG-related disorder. Last evaluated: 2026-03-31. Review status: criteria provided, single submitter. Criteria: Myriad Autosomal Dominant, Autosomal Recessive and X-Linked Classification Criteria (2023). Collection method: clinical testing. Allele origin: unknown.
Comment: NM_002693.2(POLG):c.2263A>G(K755E) is a missense variant classified as a variant of uncertain significance in the context of POLG-related disorders. K755E has been observed in a case with relevant disease (PMID: 19195941). Relevant functional assessments of this variant are not available in the literature. K755E has been observed in referenced population frequency databases. In summary, there is insufficient evidence to classify NM_002693.2(POLG):c.2263A>G(K755E) as pathogenic or benign. Please note: this variant was assessed in the context of healthy population screening.

Literature cited by the submitters: PubMed 19195941.